The following is an entry in ClinVar:

ClinVar aggregate classification (germline): Likely pathogenic (1 of 4 stars; one submission).

Conditions:
Dias-Logan syndrome. Also called: INTELLECTUAL DEVELOPMENTAL DISORDER WITH HEREDITARY PERSISTENCE OF FETAL HEMOGLOBIN; Intellectual developmental disorder with persistence of fetal hemoglobin. Identifiers: Orphanet 619233, MedGen C4310833, MONDO:0014914, OMIM 617101.

Submission:

Women's Health and Genetics/Laboratory Corporation of America, LabCorp
Classification: Likely pathogenic for Dias-Logan syndrome. Last evaluated: 2021-09-28. Review status: criteria provided, single submitter. Criteria: LabCorp Variant Classification Summary - May 2015. Collection method: clinical testing. Allele origin: germline.
Comment: Variant summary: BCL11A c.1135delT (p.Cys379AlafsX42) results in a premature termination codon, predicted to cause a truncation of the encoded protein or absence of the protein due to nonsense mediated decay. Truncations downstream of this position have been reported in association with intellectual disability via HGMD and ClinVar. The variant was absent in 250670 control chromosomes. To our knowledge, no occurrence of c.1135delT in individuals affected with Intellectual Developmental Disorder With Persistence Of Fetal Hemoglobin and no experimental evidence demonstrating its impact on protein function have been reported. No clinical diagnostic laboratories have submitted clinical-significance assessments for this variant to ClinVar after 2014. Based on the evidence outlined above, the variant was classified as likely pathogenic.

NM_022893.4(BCL11A):c.1135del (p.Cys379fs)

Gene: BCL11A (BCL11 transcription factor A; minus strand). Cytogenetic location: 2p16.1.
Variant type: Deletion.
Coding change: c.1135del on transcript NM_022893.4 (MANE Select); coding-DNA position 1135, one base deleted (T; older notation c.1135delT).
Protein change: p.Cys379fs; shifts the reading frame from cysteine 379.
Molecular consequence: frameshift variant. On other transcripts: intron variant (1).
Genome position (GRCh38, 1-based): chr2:60,461,777, A deleted on the plus strand (T on the coding strand, the reverse complement: BCL11A is on the minus strand). VCF-style (leftmost placement, unchanged base first): chr2-60461776-CA-C. GRCh37 (hg19) VCF-style: chr2-60688911-CA-C.
Other names: c.1033del, p.Cys345fs (NM_001363864.1, NM_001365609.1); c.1135del, p.Cys379fs (NM_018014.4); c.630+505del (NM_138559.2); short protein forms C345fs, C379fs.
Identifiers: ClinVar variation 1301373 (VCV001301373.1), dbSNP rs2103850075, ClinGen allele CA2573051999.
Genomic context (GRCh38, chr2:60,461,776, plus strand): 5'-TGGCTGCGCCGGTGCACCACCAGGTTGCTCTGAAATTTGAACGTCTTGCCGCAGAACTCG[CA>C]TGACTTGGACTTGACCGGGGGCTGGGAGGGAGGAGGGGCGGATTGCAGAGGAGGGAGGGG-3'